The following is an entry in ClinVar:

NM_005502.4(ABCA1):c.2607A>T (p.Glu869Asp)

Gene: ABCA1 (ATP binding cassette subfamily A member 1; minus strand). Cytogenetic location: 9q31.1.
Variant type: single nucleotide variant.
Coding change: c.2607A>T on transcript NM_005502.4 (MANE Select); coding-DNA position 2607, A replaced by T.
Protein change: p.Glu869Asp; replaces glutamic acid 869 with aspartic acid.
Molecular consequence: missense variant.
Genome position (GRCh38, 1-based): chr9:104,824,514, T>A on the plus strand (A>T on the coding strand, the complement: ABCA1 is on the minus strand). VCF-style: chr9-104824514-T-A. GRCh37 (hg19) VCF-style: chr9-107586795-T-A.
Other names: c.2607A>T (NM_005502.3); short protein forms E869D.
Identifiers: ClinVar variation 1522419 (VCV001522419.7), dbSNP rs1255744285, ClinGen allele CA374320602.

ClinVar aggregate classification (germline): Uncertain significance. Review status: criteria provided, multiple submitters, no conflicts (2 of 4 stars). 2 submissions from 2 submitters: Uncertain significance (2). Last evaluated 2025-04-07.

Conditions:
Cardiovascular phenotype. Identifiers: MedGen CN230736.

Allele frequency attached by ClinVar (database versions not stated): gnomAD 0.00001; TOPMed 0.00001.
gnomAD v4.1: 14 of 1,614,032 alleles (0.00087%); highest among the groups gnomAD compares: Admixed American, 0.0017%; no homozygotes.

Submissions (2):

Ambry Genetics
Classification: Uncertain significance for Cardiovascular phenotype. Last evaluated: 2025-04-07. Review status: criteria provided, single submitter. Criteria: Ambry Variant Classification Scheme 2023. Collection method: clinical testing. Allele origin: germline.
Comment: The p.E869D variant (also known as c.2607A>T), located in coding exon 17 of the ABCA1 gene, results from an A to T substitution at nucleotide position 2607. The glutamic acid at codon 869 is replaced by aspartic acid, an amino acid with highly similar properties. This amino acid position is conserved. In addition, this alteration is predicted to be tolerated by in silico analysis. Based on the available evidence, the clinical significance of this variant remains unclear.

Labcorp Genetics (formerly Invitae), Labcorp
Classification: Uncertain significance. Last evaluated: 2022-06-26. Review status: criteria provided, single submitter. Criteria: Invitae Variant Classification Sherloc (09022015). Collection method: clinical testing. Allele origin: germline.
Comment: In summary, the available evidence is currently insufficient to determine the role of this variant in disease. Therefore, it has been classified as a Variant of Uncertain Significance. Advanced modeling of protein sequence and biophysical properties (such as structural, functional, and spatial information, amino acid conservation, physicochemical variation, residue mobility, and thermodynamic stability) performed at Invitae indicates that this missense variant is not expected to disrupt ABCA1 protein function. This variant has not been reported in the literature in individuals affected with ABCA1-related conditions. This variant is present in population databases (no rsID available, gnomAD 0.007%). This sequence change replaces glutamic acid, which is acidic and polar, with aspartic acid, which is acidic and polar, at codon 869 of the ABCA1 protein (p.Glu869Asp).